The following is an entry in ClinVar:

NM_000787.4(DBH):c.1667A>G (p.Tyr556Cys)

Genes: DBH (dopamine beta-hydroxylase; plus strand), DBH-AS1 (DBH antisense RNA 1; minus strand). Cytogenetic location: 9q34.2.
Variant type: single nucleotide variant.
Coding change: c.1667A>G on transcript NM_000787.4 (MANE Select); coding-DNA position 1667, A replaced by G.
Protein change: p.Tyr556Cys; replaces tyrosine 556 with cysteine.
Molecular consequence: missense variant. On other transcripts: non-coding transcript variant (1).
Genome position (GRCh38, 1-based): chr9:133,657,174, A>G. VCF-style: chr9-133657174-A-G. GRCh37 (hg19) VCF-style: chr9-136522296-A-G.
Other names: A1625G; Y542C; short protein forms Y556C.
Identifiers: ClinVar variation 217766 (VCV000217766.4), dbSNP rs863225246, ClinGen allele CA347665.

ClinVar aggregate classification (germline): not provided (0 of 4 stars; one submission).

Conditions:
Orthostatic hypotension 1 (ORTHYP1). Also called: Dopamine beta-hydroxylase deficiency; NORADRENALINE DEFICIENCY; NOREPINEPHRINE DEFICIENCY; Orthostatic hypotension 1, due to DBH deficiency. Identifiers: Orphanet 230, MedGen C4746777, MONDO:0009123, OMIM 223360.

Allele frequency attached by ClinVar (database versions not stated): TOPMed below 0.00001; gnomAD exomes below 0.00001.

Submission:

GeneReviews
No classification provided. Condition: Orthostatic hypotension 1. Review status: no classification provided. Collection method: literature only. Allele origin: germline.
Comment: Identified in the Netherlands [Deinum et al 2004]

Literature cited by the submitters: PubMed 15060114; NCBI Bookshelf NBK1474.